The following is an entry in ClinVar:

ClinVar aggregate classification (germline): Benign/Likely benign. Review status: criteria provided, multiple submitters, no conflicts (2 of 4 stars). 6 submissions from 6 submitters: Benign (3); Likely benign (3). Last evaluated 2026-02-03.

Conditions:
Inborn genetic diseases. Identifiers: MedGen C0950123, MeSH D030342.
Developmental and epileptic encephalopathy, 18 (DEE18). Also called: Early infantile epileptic encephalopathy 18. Identifiers: Orphanet 369894, MedGen C3809624, MONDO:0014201, OMIM 615476.

Allele frequency attached by ClinVar (database versions not stated): ESP Exome Variant Server 0.00054; gnomAD 0.00103 and 0.00139; TOPMed 0.00172; ExAC 0.00245; gnomAD exomes 0.00247; 1000 Genomes Project 30x 0.00718; 1000 Genomes Project 0.00759.
gnomAD v4.1: 1,283 of 1,608,082 alleles (0.08%); highest among the groups gnomAD compares: East Asian, 1.9%; 12 homozygotes.

Submissions (6):

Labcorp Genetics (formerly Invitae), Labcorp
Classification: Benign. Last evaluated: 2026-02-03. Review status: criteria provided, single submitter. Criteria: Invitae Variant Classification Sherloc (09022015). Collection method: clinical testing. Allele origin: germline.

Athena Diagnostics
Classification: Benign. Last evaluated: 2024-12-06. Review status: criteria provided, single submitter. Criteria: Athena Diagnostics Criteria. Collection method: clinical testing. Allele origin: unknown.
Comment: The frequency of this variant in the general population is higher than would generally be expected for pathogenic variants in this gene. Computational tools predict this amino acid change may be benign.

Genome-Nilou Lab
Classification: Likely benign for Developmental and epileptic encephalopathy, 18. Last evaluated: 2023-04-11. Review status: criteria provided, single submitter. Criteria: ACMG Guidelines, 2015. Collection method: clinical testing. Allele origin: germline. Affected: no.

Fulgent Genetics
Classification: Likely benign for Developmental and epileptic encephalopathy, 18. Last evaluated: 2021-11-18. Review status: criteria provided, single submitter. Criteria: ACMG Guidelines, 2015. Collection method: clinical testing. Allele origin: unknown.

GeneDx
Classification: Benign. Last evaluated: 2019-11-05. Review status: criteria provided, single submitter. Criteria: GeneDx Variant Classification Process June 2021. Collection method: clinical testing. Allele origin: germline. Affected: yes.

Ambry Genetics
Classification: Likely benign for Inborn genetic diseases. Last evaluated: 2017-12-18. Review status: criteria provided, single submitter. Criteria: Ambry Variant Classification Scheme 2023. Collection method: clinical testing. Allele origin: germline.

Literature cited by the submitters: PubMed 37667433 (cited by Athena Diagnostics).

NM_001365999.1(SZT2):c.7256G>A (p.Arg2419Gln)

Gene: SZT2 (SZT2 subunit of KICSTOR complex; plus strand). Cytogenetic location: 1p34.2.
Variant type: single nucleotide variant.
Coding change: c.7256G>A on transcript NM_001365999.1 (MANE Select); coding-DNA position 7256, G replaced by A.
Protein change: p.Arg2419Gln; replaces arginine 2419 with glutamine.
Molecular consequence: missense variant.
Genome position (GRCh38, 1-based): chr1:43,440,498, G>A. VCF-style: chr1-43440498-G-A. GRCh37 (hg19) VCF-style: chr1-43906169-G-A.
Other names: c.7085G>A, p.Arg2362Gln (NM_015284.4); short protein forms R2362Q, R2419Q.
Identifiers: ClinVar variation 416972 (VCV000416972.22), dbSNP rs72637949, ClinGen allele CA810169.